The following is an entry in ClinVar:

ClinVar aggregate classification (germline): Uncertain significance (1 of 4 stars; one submission).

Conditions:
Hereditary diffuse gastric adenocarcinoma (HDGC). Also called: DIFFUSE GASTRIC AND LOBULAR BREAST CANCER SYNDROME. Identifiers: Orphanet 26106, MedGen C1708349, MONDO:0007648, OMIM 137215.

Allele frequency attached by ClinVar (database versions not stated): gnomAD 0.00001; 1000 Genomes Project 30x 0.00016.
gnomAD v4.1: 1 of 1,614,228 alleles (0.000062%); highest among the groups gnomAD compares: South Asian, 0.0011%; no homozygotes.

Submission:

Labcorp Genetics (formerly Invitae), Labcorp
Classification: Uncertain significance for Hereditary diffuse gastric adenocarcinoma. Last evaluated: 2018-08-23. Review status: criteria provided, single submitter. Criteria: Invitae Variant Classification Sherloc (09022015). Collection method: clinical testing. Allele origin: germline.
Comment: This variant is not present in population databases (ExAC no frequency). This sequence change replaces glutamic acid with lysine at codon 518 of the CDH1 protein (p.Glu518Lys). The glutamic acid residue is weakly conserved and there is a small physicochemical difference between glutamic acid and lysine. This variant has not been reported in the literature in individuals with CDH1-related disease. Algorithms developed to predict the effect of missense changes on protein structure and function (SIFT, PolyPhen-2, Align-GVGD) all suggest that this variant is likely to be tolerated, but these predictions have not been confirmed by published functional studies and their clinical significance is uncertain. In summary, the available evidence is currently insufficient to determine the role of this variant in disease. Therefore, it has been classified as a Variant of Uncertain Significance.

NM_004360.5(CDH1):c.1552G>A (p.Glu518Lys)

Gene: CDH1 (cadherin 1; plus strand). Cytogenetic location: 16q22.1.
Variant type: single nucleotide variant.
Coding change: c.1552G>A on transcript NM_004360.5 (MANE Select); coding-DNA position 1552, G replaced by A.
Protein change: p.Glu518Lys; replaces glutamic acid 518 with lysine.
Molecular consequence: missense variant. On other transcripts: 5 prime UTR variant (1).
Genome position (GRCh38, 1-based): chr16:68,815,746, G>A. VCF-style: chr16-68815746-G-A. GRCh37 (hg19) VCF-style: chr16-68849649-G-A.
Other names: c.1552G>A (LRG_301t1); c.1369G>A, p.Glu457Lys (NM_001317184.2); c.4G>A, p.Glu2Lys (NM_001317185.2); c.-268G>A (NM_001317186.2); short protein forms E457K, E518K, E2K.
Identifiers: ClinVar variation 641423 (VCV000641423.9), dbSNP rs1597898324, ClinGen allele CA396463613.